The following is an entry in ClinVar:

ClinVar aggregate classification (germline): Uncertain significance. Review status: criteria provided, multiple submitters, no conflicts (2 of 4 stars). 3 submissions from 3 submitters: Uncertain significance (2). 1 of the submissions does not count toward it. Last evaluated 2026-01-24.

Conditions:
Autosomal recessive osteopetrosis 1. Also called: ALBERS-SCHONBERG DISEASE, AUTOSOMAL RECESSIVE; TCIRG1-Related Osteopetrosis; TCIRG1-Related Autosomal Recessive Osteopetrosis. Identifiers: Orphanet 667, MedGen C1850127, MONDO:0009815, OMIM 259700.

Allele frequency attached by ClinVar (database versions not stated): ExAC 0.00001; gnomAD exomes 0.00002; TOPMed 0.00005; gnomAD 0.00008 and 0.00009.
gnomAD v4.1: 33 of 1,600,754 alleles (0.0021%); highest among the groups gnomAD compares: Non-Finnish European, 0.0027%; no homozygotes.

Submissions (3):

Labcorp Genetics (formerly Invitae), Labcorp
Classification: Uncertain significance. Last evaluated: 2026-01-24. Review status: criteria provided, single submitter. Criteria: Invitae Variant Classification Sherloc (09022015). Collection method: clinical testing. Allele origin: germline.
Comment: This sequence change replaces glutamine, which is neutral and polar, with arginine, which is basic and polar, at codon 633 of the TCIRG1 protein (p.Gln633Arg). This variant is present in population databases (rs765175241, gnomAD 0.004%). This variant has not been reported in the literature in individuals affected with TCIRG1-related conditions. ClinVar contains an entry for this variant (Variation ID: 882247). Invitae Evidence Modeling of protein sequence and biophysical properties (such as structural, functional, and spatial information, amino acid conservation, physicochemical variation, residue mobility, and thermodynamic stability) indicates that this missense variant is expected to disrupt TCIRG1 protein function with a positive predictive value of 80%. In summary, the available evidence is currently insufficient to determine the role of this variant in disease. Therefore, it has been classified as a Variant of Uncertain Significance.

Illumina Laboratory Services, Illumina
Classification: Uncertain significance for Autosomal recessive osteopetrosis 1. Last evaluated: 2018-01-13. Review status: criteria provided, single submitter. Criteria: ICSL Variant Classification Criteria 13 December 2019. Collection method: clinical testing. Allele origin: germline.

Natera, Inc.
Classification: Uncertain significance for Infantile malignant osteopetrosis. Last evaluated: 2020-04-16. Review status: no assertion criteria provided. Collection method: clinical testing. Allele origin: germline. Not counted in ClinVar's aggregate classification.

NM_006019.4(TCIRG1):c.1898A>G (p.Gln633Arg)

Gene: TCIRG1 (T cell immune regulator 1, ATPase H+ transporting V0 subunit a3; plus strand). Cytogenetic location: 11q13.2.
Variant type: single nucleotide variant.
Coding change: c.1898A>G on transcript NM_006019.4 (MANE Select); coding-DNA position 1898, A replaced by G.
Protein change: p.Gln633Arg; replaces glutamine 633 with arginine.
Molecular consequence: missense variant.
Genome position (GRCh38, 1-based): chr11:68,049,673, A>G. VCF-style: chr11-68049673-A-G. GRCh37 (hg19) VCF-style: chr11-67817140-A-G.
Other names: c.1004A>G, p.Gln335Arg (NM_001351059.2); c.1250A>G, p.Gln417Arg (NM_006053.4); short protein forms Q335R, Q633R, Q417R.
Identifiers: ClinVar variation 882247 (VCV000882247.9), dbSNP rs765175241, ClinGen allele CA6147318.
Genomic context (GRCh38, chr11:68,049,673, plus strand): 5'-TGCAGGTGTGCACAGCAGGGACGCCCTGACTCTCGCCCTCTCCCTGGCAGGAGGTGGTCC[A>G]GGCCACGCTGGTGGTCCTGGCCTTGGCCATGGTGCCCATCCTGCTGCTTGGCACACCCCT-3'
Protein context (NP_006010.2, residues 623-643): RLLYPRQEVV[Gln633Arg]ATLVVLALAM